The following is an entry in ClinVar:

NM_139276.3(STAT3):c.1121A>G (p.Asp374Gly)

Gene: STAT3 (signal transducer and activator of transcription 3; minus strand). Cytogenetic location: 17q21.2.
Variant type: single nucleotide variant.
Coding change: c.1121A>G on transcript NM_139276.3 (MANE Select); coding-DNA position 1121, A replaced by G.
Protein change: p.Asp374Gly; replaces aspartic acid 374 with glycine.
Molecular consequence: missense variant.
Genome position (GRCh38, 1-based): chr17:42,329,765, T>C on the plus strand (A>G on the coding strand, the complement: STAT3 is on the minus strand). VCF-style: chr17-42329765-T-C. GRCh37 (hg19) VCF-style: chr17-40481783-T-C.
Other names: c.1121A>G, p.Asp374Gly (NM_001369512.1, NM_001369513.1, NM_001369514.1 and 12 more transcripts); c.1043A>G, p.Asp348Gly (NM_001384985.1); c.1136A>G, p.Asp379Gly (NM_001384986.1, NM_001384990.1); c.1025A>G, p.Asp342Gly (NM_001384989.1); c.1061A>G, p.Asp354Gly (NM_001384992.1); short protein forms D348G, D374G, D342G, D354G, D379G.
Identifiers: ClinVar variation 2138018 (VCV002138018.4), dbSNP rs2509332556, ClinGen allele CA399589415.

ClinVar aggregate classification (germline): Uncertain significance (1 of 4 stars; one submission).

Conditions:
Hyper-IgE recurrent infection syndrome 1, autosomal dominant. Also called: STAT3 Hyper IgE Syndrome; Hyper-IgE recurrent infection syndrome 1; Job's Syndrome; HYPER-IgE SYNDROME 1, AUTOSOMAL DOMINANT, WITH RECURRENT INFECTIONS; JOB SYNDROME. Identifiers: Orphanet 2314, MedGen C2936739, MONDO:0007818, OMIM 147060.
STAT3 gain of function. Identifiers: MedGen C4288261.

Submission:

Labcorp Genetics (formerly Invitae), Labcorp
Classification: Uncertain significance for STAT3 gain of function; Hyper-IgE recurrent infection syndrome 1, autosomal dominant. Last evaluated: 2022-10-08. Review status: criteria provided, single submitter. Criteria: Invitae Variant Classification Sherloc (09022015). Collection method: clinical testing. Allele origin: germline.
Comment: This sequence change replaces aspartic acid, which is acidic and polar, with glycine, which is neutral and non-polar, at codon 374 of the STAT3 protein (p.Asp374Gly). In summary, the available evidence is currently insufficient to determine the role of this variant in disease. Therefore, it has been classified as a Variant of Uncertain Significance. Advanced modeling of protein sequence and biophysical properties (such as structural, functional, and spatial information, amino acid conservation, physicochemical variation, residue mobility, and thermodynamic stability) performed at Invitae indicates that this missense variant is not expected to disrupt STAT3 protein function. This missense change has been observed in individual(s) with clinical features of STAT3-related conditions (PMID: 24260974). This variant is not present in population databases (gnomAD no frequency).

Literature cited by the submitters: PubMed 24260974.